The following is an entry in ClinVar:

ClinVar aggregate classification (germline): Uncertain significance (1 of 4 stars; one submission).

Conditions:
NRP1-related disorder. Also called: NRP1-related condition.

gnomAD v4.1: 1 of 1,613,682 alleles (0.000062%); highest among the groups gnomAD compares: Non-Finnish European, 0.000085%; no homozygotes.

Submission:

PreventionGenetics, part of Exact Sciences
Classification: Uncertain significance for NRP1-related condition. Last evaluated: 2024-12-17. Review status: criteria provided, single submitter. Criteria: ACMG Guidelines, 2015. Collection method: clinical testing. Allele origin: germline.
Comment: The NRP1 c.2042G>A variant is predicted to result in the amino acid substitution p.Gly681Glu. To our knowledge, this variant has not been reported in the literature or in a large population database (gnomAD), indicating this variant is rare. At this time, the clinical significance of this variant is uncertain due to the absence of conclusive functional and genetic evidence.

NM_003873.7(NRP1):c.2042G>A (p.Gly681Glu)

Gene: NRP1 (neuropilin 1; minus strand). Cytogenetic location: 10p11.22.
Variant type: single nucleotide variant.
Coding change: c.2042G>A on transcript NM_003873.7 (MANE Select); coding-DNA position 2042, G replaced by A.
Protein change: p.Gly681Glu; replaces glycine 681 with glutamic acid.
Molecular consequence: missense variant. On other transcripts: non-coding transcript variant (1).
Genome position (GRCh38, 1-based): chr10:33,192,301, C>T on the plus strand (G>A on the coding strand, the complement: NRP1 is on the minus strand). VCF-style: chr10-33192301-C-T. GRCh37 (hg19) VCF-style: chr10-33481229-C-T.
Other names: c.2021G>A, p.Gly674Glu (NM_001244972.2, NM_001244973.2); c.2042G>A, p.Gly681Glu (NM_001330068.2); short protein forms G681E, G674E.
Identifiers: ClinVar variation 4990468 (VCV004990468.1).